The following is an entry in ClinVar:

NM_007186.6(CEP250):c.2311A>G (p.Ser771Gly)

Genes: CEP250 (centrosomal protein 250; plus strand), CEP250-AS1 (CEP250 antisense RNA 1; minus strand). Cytogenetic location: 20q11.22.
Variant type: single nucleotide variant.
Coding change: c.2311A>G on transcript NM_007186.6 (MANE Select); coding-DNA position 2311, A replaced by G.
Protein change: p.Ser771Gly; replaces serine 771 with glycine.
Molecular consequence: missense variant.
Genome position (GRCh38, 1-based): chr20:35,479,668, A>G. VCF-style: chr20-35479668-A-G. GRCh37 (hg19) VCF-style: chr20-34067493-A-G.
Other names: c.415A>G, p.Ser139Gly (NM_001318219.1); short protein forms S139G, S771G.
Identifiers: ClinVar variation 1382778 (VCV001382778.6), dbSNP rs2146882443, ClinGen allele CA408769273.

ClinVar aggregate classification (germline): Uncertain significance (1 of 4 stars; one submission).

Submission:

Labcorp Genetics (formerly Invitae), Labcorp
Classification: Uncertain significance. Last evaluated: 2022-10-17. Review status: criteria provided, single submitter. Criteria: Invitae Variant Classification Sherloc (09022015). Collection method: clinical testing. Allele origin: germline.
Comment: In summary, the available evidence is currently insufficient to determine the role of this variant in disease. Therefore, it has been classified as a Variant of Uncertain Significance. Algorithms developed to predict the effect of missense changes on protein structure and function output the following: SIFT: "Not Available"; PolyPhen-2: "Benign"; Align-GVGD: "Not Available". The glycine amino acid residue is found in multiple mammalian species, which suggests that this missense change does not adversely affect protein function. ClinVar contains an entry for this variant (Variation ID: 1382778). This variant has not been reported in the literature in individuals affected with CEP250-related conditions. This variant is not present in population databases (gnomAD no frequency). This sequence change replaces serine with glycine at codon 771 of the CEP250 protein (p.Ser771Gly). The serine residue is moderately conserved and there is a small physicochemical difference between serine and glycine.